The following is an entry in ClinVar:

ClinVar aggregate classification (germline): Uncertain significance. Review status: criteria provided, multiple submitters, no conflicts (2 of 4 stars). 2 submissions from 2 submitters: Uncertain significance (2). Last evaluated 2025-02-12.

Conditions:
Oligodontia-cancer predisposition syndrome. Also called: TOOTH AGENESIS-COLORECTAL CANCER SYNDROME. Identifiers: Orphanet 300576, MedGen C1837750, MONDO:0012075, OMIM 608615. Disease mechanism: loss of function.
Hereditary cancer-predisposing syndrome. Also called: Hereditary Cancer Syndrome; Tumor predisposition; Hereditary neoplastic syndrome; Neoplastic Syndromes, Hereditary. Identifiers: Orphanet 140162, MedGen C0027672, MeSH D009386, MONDO:0015356.

Allele frequency attached by ClinVar (database versions not stated): gnomAD exomes below 0.00001.
gnomAD v4.1: 1 of 1,614,228 alleles (0.000062%); highest among the groups gnomAD compares: Non-Finnish European, 0.000085%; no homozygotes.

Submissions (2):

Labcorp Genetics (formerly Invitae), Labcorp
Classification: Uncertain significance for Oligodontia-cancer predisposition syndrome. Last evaluated: 2025-02-12. Review status: criteria provided, single submitter. Criteria: Invitae Variant Classification Sherloc (09022015). Collection method: clinical testing. Allele origin: germline.
Comment: This sequence change replaces glutamic acid, which is acidic and polar, with lysine, which is basic and polar, at codon 232 of the AXIN2 protein (p.Glu232Lys). This variant is not present in population databases (gnomAD no frequency). This variant has not been reported in the literature in individuals affected with AXIN2-related conditions. ClinVar contains an entry for this variant (Variation ID: 646849). Invitae Evidence Modeling of protein sequence and biophysical properties (such as structural, functional, and spatial information, amino acid conservation, physicochemical variation, residue mobility, and thermodynamic stability) indicates that this missense variant is not expected to disrupt AXIN2 protein function with a negative predictive value of 80%. In summary, the available evidence is currently insufficient to determine the role of this variant in disease. Therefore, it has been classified as a Variant of Uncertain Significance.

Ambry Genetics
Classification: Uncertain significance for Hereditary cancer-predisposing syndrome. Last evaluated: 2024-03-08. Review status: criteria provided, single submitter. Criteria: Ambry Variant Classification Scheme 2023. Collection method: clinical testing. Allele origin: germline.
Comment: The p.E232K variant (also known as c.694G>A), located in coding exon 1 of the AXIN2 gene, results from a G to A substitution at nucleotide position 694. The glutamic acid at codon 232 is replaced by lysine, an amino acid with similar properties. This amino acid position is conserved. In addition, the in silico prediction for this alteration is inconclusive. Based on the available evidence, the clinical significance of this alteration remains unclear.

NM_004655.4(AXIN2):c.694G>A (p.Glu232Lys)

Gene: AXIN2 (axin 2; minus strand). Cytogenetic location: 17q24.1.
Variant type: single nucleotide variant.
Coding change: c.694G>A on transcript NM_004655.4 (MANE Select); coding-DNA position 694, G replaced by A.
Protein change: p.Glu232Lys; replaces glutamic acid 232 with lysine.
Molecular consequence: missense variant.
Genome position (GRCh38, 1-based): chr17:65,557,927, C>T on the plus strand (G>A on the coding strand, the complement: AXIN2 is on the minus strand). VCF-style: chr17-65557927-C-T. GRCh37 (hg19) VCF-style: chr17-63554045-C-T.
Other names: c.694G>A (LRG_296t1); c.694G>A, p.Glu232Lys (NM_001363813.1); short protein forms E232K.
Identifiers: ClinVar variation 646849 (VCV000646849.9), dbSNP rs1598119131, ClinGen allele CA400680472.